The following is an entry in ClinVar:

ClinVar aggregate classification (germline): Likely benign (1 of 4 stars; one submission).

Allele frequency attached by ClinVar (database versions not stated): ExAC 0.00004; TOPMed 0.00005; gnomAD 0.00006; gnomAD exomes 0.00006; ESP Exome Variant Server 0.00009.
gnomAD v4.1: 75 of 1,207,898 alleles (0.0062%); highest among the groups gnomAD compares: Non-Finnish European, 0.0082%; no homozygotes.

Submission:

CeGaT Center for Human Genetics Tuebingen
Classification: Likely benign. Last evaluated: 2022-10-01. Review status: criteria provided, single submitter. Criteria: CeGaT Center For Human Genetics Tuebingen Variant Classification Criteria Version 2. Collection method: clinical testing. Allele origin: germline. Affected: yes. Observed: 1 variant allele.
Comment: DIAPH2: BP4, BP7

NM_006729.5(DIAPH2):c.1794T>C (p.Leu598=)

Gene: DIAPH2 (diaphanous related formin 2; plus strand). Cytogenetic location: Xq21.33.
Variant type: single nucleotide variant.
Coding change: c.1794T>C on transcript NM_006729.5 (MANE Select); coding-DNA position 1794, T replaced by C.
Protein change: p.Leu598=; no amino-acid change (leucine 598 retained).
Molecular consequence: synonymous variant.
Genome position (GRCh38, 1-based): chrX:96,958,007, T>C. VCF-style: chrX-96958007-T-C. GRCh37 (hg19) VCF-style: chrX-96213006-T-C.
Other names: c.1794T>C, p.Leu598= (NM_007309.4).
Identifiers: ClinVar variation 2661024 (VCV002661024.24), dbSNP rs375480105, ClinGen allele CA10468300.
Genomic context (GRCh38, chrX:96,958,007, plus strand): 5'-TCCTCCACCACCTCCTTTACCTGGAATGATGGGGATACCACCACCACCCCCACCACCACT[T>C]TTATTTGGGGGACCTCCTCCACCACCACCCCTTGGAGGAGTTCCTCCTCCCCCAGGAATA-3'
Protein context (NP_006720.1, residues 588-608): MGIPPPPPPP[Leu598=]LFGGPPPPPP